The following is an entry in ClinVar:

NM_001267550.2(TTN):c.11905G>A (p.Val3969Ile)

Gene: TTN (titin; minus strand). Cytogenetic location: 2q31.2.
Variant type: single nucleotide variant.
Coding change: c.11905G>A on transcript NM_001267550.2 (MANE Select); coding-DNA position 11905, G replaced by A.
Protein change: p.Val3969Ile; replaces valine 3969 with isoleucine.
Molecular consequence: missense variant. On other transcripts: intron variant (1).
Genome position (GRCh38, 1-based): chr2:178,741,328, C>T on the plus strand (G>A on the coding strand, the complement: TTN is on the minus strand). VCF-style: chr2-178741328-C-T. GRCh37 (hg19) VCF-style: chr2-179606055-C-T.
Other names: c.10954G>A, p.Val3652Ile (NM_001256850.1); c.10816G>A, p.Val3606Ile (NM_003319.4); c.11191G>A, p.Val3731Ile (NM_133432.3); c.11392G>A, p.Val3798Ile (NM_133437.4); c.10361-2968G>A (NM_133378.4); short protein forms V3606I, V3652I, V3731I, V3798I, V3969I.
Identifiers: ClinVar variation 2651697 (VCV002651697.24), dbSNP rs754991360, ClinGen allele CA349618407.

ClinVar aggregate classification (germline): Uncertain significance (1 of 4 stars; one submission).

Allele frequency attached by ClinVar (database versions not stated): TOPMed below 0.00001; gnomAD 0.00001.

Submission:

CeGaT Center for Human Genetics Tuebingen
Classification: Uncertain significance. Last evaluated: 2023-01-01. Review status: criteria provided, single submitter. Criteria: CeGaT Center For Human Genetics Tuebingen Variant Classification Criteria Version 2. Collection method: clinical testing. Allele origin: germline. Affected: yes. Observed: 1 variant allele.
Comment: TTN: PM2, BP4